The following is an entry in ClinVar:

ClinVar aggregate classification (germline): Likely pathogenic (1 of 4 stars; one submission).

Conditions:
Familial thoracic aortic aneurysm and aortic dissection (TAAD). Also called: Thoracic aortic aneurysms and dissections. Identifiers: Orphanet 91387, MedGen C4707243, MONDO:0019625.

Submission:

Labcorp Genetics (formerly Invitae), Labcorp
Classification: Likely pathogenic for Familial thoracic aortic aneurysm and aortic dissection. Last evaluated: 2022-03-26. Review status: criteria provided, single submitter. Criteria: Invitae Variant Classification Sherloc (09022015). Collection method: clinical testing. Allele origin: germline.
Comment: In summary, the currently available evidence indicates that the variant is pathogenic, but additional data are needed to prove that conclusively. Therefore, this variant has been classified as Likely Pathogenic. This variant disrupts the p.Arg537 amino acid residue in TGFBR2. Other variant(s) that disrupt this residue have been determined to be pathogenic (PMID: 15235604, 20956634, 21324918, 25116393). This suggests that this residue is clinically significant, and that variants that disrupt this residue are likely to be disease-causing. ClinVar contains an entry for this variant (Variation ID: 239529). This variant has not been reported in the literature in individuals affected with TGFBR2-related conditions. This variant is not present in population databases (gnomAD no frequency). This sequence change creates a premature translational stop signal (p.Ile510Thrfs*8) in the TGFBR2 gene. While this is not anticipated to result in nonsense mediated decay, it is expected to disrupt the last 58 amino acid(s) of the TGFBR2 protein.

Literature cited by the submitters: PubMed 15235604; PubMed 20956634; PubMed 21324918; PubMed 25116393.

NM_003242.6(TGFBR2):c.1529del (p.Ile510fs)

Gene: TGFBR2 (transforming growth factor beta receptor 2; plus strand). Cytogenetic location: 3p24.1.
Variant type: Deletion.
Coding change: c.1529del on transcript NM_003242.6 (MANE Select); coding-DNA position 1529, one base deleted (T; older notation c.1529delT).
Protein change: p.Ile510fs; shifts the reading frame from isoleucine 510.
Molecular consequence: frameshift variant.
Genome position (GRCh38, 1-based): chr3:30,691,424, T deleted. VCF-style (leftmost placement, unchanged base first): chr3-30691423-AT-A. GRCh37 (hg19) VCF-style: chr3-30732915-AT-A.
Other names: c.1604delT, p.Ile535Thrfs (NM_001024847.3); c.1712delT, p.Ile571Thrfs (NM_001407126.1); c.1637delT, p.Ile546Thrfs (NM_001407127.1); c.1556delT, p.Ile519Thrfs (NM_001407128.1); c.1532delT, p.Ile511Thrfs (NM_001407129.1); c.1526delT, p.Ile509Thrfs (NM_001407130.1); c.1424delT, p.Ile475Thrfs (NM_001407132.1, NM_001407133.1, NM_001407134.1 and 2 more transcripts); c.1244delT, p.Ile415Thrfs (NM_001407137.1); and 2 more; short protein forms I510fs, I535fs.
Identifiers: ClinVar variation 239529 (VCV000239529.6), dbSNP rs878854611, ClinGen allele CA10582148.